The following is an entry in ClinVar:

ClinVar aggregate classification (germline): Benign/Likely benign. Review status: criteria provided, multiple submitters, no conflicts (2 of 4 stars). 8 submissions from 8 submitters: Benign (1); Likely benign (7). Last evaluated 2025-08-06.

Conditions:
Hereditary cancer-predisposing syndrome. Also called: Hereditary Cancer Syndrome; Hereditary neoplastic syndrome; Neoplastic Syndromes, Hereditary; Tumor predisposition. Identifiers: Orphanet 140162, MedGen C0027672, MeSH D009386, MONDO:0015356.
Classic or attenuated familial adenomatous polyposis. Identifiers: MedGen CN372698, MONDO:0021057.
Familial adenomatous polyposis 1 (FAP1). Also called: FAMILIAL ADENOMATOUS POLYPOSIS 1, ATTENUATED; POLYPOSIS, ADENOMATOUS INTESTINAL. Identifiers: MedGen C2713442, MONDO:0021056, OMIM 175100. Disease mechanism: loss of function.
Desmoid disease, hereditary (DESMD). Also called: FIBROMATOSIS, FAMILIAL INFILTRATIVE. Identifiers: Orphanet 873, MedGen C1851124, OMIM 135290. Disease mechanism: loss of function.

Allele frequency attached by ClinVar (database versions not stated): TOPMed below 0.00001; ExAC 0.00001; gnomAD 0.00001.

Submissions (8):

Labcorp Genetics (formerly Invitae), Labcorp
Classification: Likely benign for Familial adenomatous polyposis 1. Last evaluated: 2025-08-06. Review status: criteria provided, single submitter. Criteria: Invitae Variant Classification Sherloc (09022015). Collection method: clinical testing. Allele origin: germline.

Myriad Genetics, Inc.
Classification: Benign for Familial adenomatous polyposis 1. Last evaluated: 2024-03-26. Review status: criteria provided, single submitter. Criteria: Myriad Autosomal Dominant, Autosomal Recessive and X-Linked Classification Criteria (2023). Collection method: clinical testing. Allele origin: unknown.
Comment: This variant is considered benign. This variant is a silent/synonymous amino acid change and it is not expected to impact splicing.

All of Us Research Program, National Institutes of Health
Classification: Likely benign for Classic or attenuated familial adenomatous polyposis. Last evaluated: 2023-09-05. Review status: criteria provided, single submitter. Criteria: ACMG Guidelines, 2015. Collection method: clinical testing. Allele origin: germline. Inheritance: Autosomal dominant inheritance. Observed: 2 variant alleles, 2 heterozygotes.
Comment: This study involves interpretation of variants in research participants for the purpose of population health screening. Participant phenotype was not available at the time of variant classification. Additional details can be found in publication PMID: 35346344, PMCID: PMC8962531

Women's Health and Genetics/Laboratory Corporation of America, LabCorp
Classification: Likely benign. Last evaluated: 2023-04-14. Review status: criteria provided, single submitter. Criteria: LabCorp Variant Classification Summary - May 2015. Collection method: clinical testing. Allele origin: germline.

Department of Pathology and Laboratory Medicine, Sinai Health System
Classification: Likely benign for Desmoid disease, hereditary. Last evaluated: 2022-03-24. Review status: criteria provided, single submitter. Criteria: ACMG Guidelines, 2015. Collection method: clinical testing. Allele origin: germline. Affected: yes.

GeneDx
Classification: Likely benign. Last evaluated: 2021-04-07. Review status: criteria provided, single submitter. Criteria: GeneDx Variant Classification Process June 2021. Collection method: clinical testing. Allele origin: germline. Affected: yes.

Color Diagnostics, LLC DBA Color Health
Classification: Likely benign for Hereditary cancer-predisposing syndrome. Last evaluated: 2020-03-11. Review status: criteria provided, single submitter. Criteria: ACMG Guidelines, 2015. Collection method: clinical testing. Allele origin: germline.

Ambry Genetics
Classification: Likely benign for Hereditary cancer-predisposing syndrome. Last evaluated: 2016-10-10. Review status: criteria provided, single submitter. Criteria: Ambry Variant Classification Scheme 2023. Collection method: clinical testing. Allele origin: germline.

NM_000038.6(APC):c.4341A>G (p.Gln1447=)

Gene: APC (APC regulator of Wnt signaling pathway; plus strand). Cytogenetic location: 5q22.2.
Variant type: single nucleotide variant.
Coding change: c.4341A>G on transcript NM_000038.6 (MANE Select); coding-DNA position 4341, A replaced by G.
Protein change: p.Gln1447=; no amino-acid change (glutamine 1447 retained).
Molecular consequence: synonymous variant.
Genome position (GRCh38, 1-based): chr5:112,839,935, A>G. VCF-style: chr5-112839935-A-G. GRCh37 (hg19) VCF-style: chr5-112175632-A-G.
Other names: c.4341A>G, p.Gln1447= (NM_001127510.3, NM_001354895.2); c.4287A>G, p.Gln1429= (NM_001127511.3); c.4395A>G, p.Gln1465= (NM_001354896.2); c.4371A>G, p.Gln1457= (NM_001354897.2); c.4266A>G, p.Gln1422= (NM_001354898.2); c.4257A>G, p.Gln1419= (NM_001354899.2); c.4218A>G, p.Gln1406= (NM_001354900.2); c.4164A>G, p.Gln1388= (NM_001354901.2); and 5 more.
Identifiers: ClinVar variation 385933 (VCV000385933.24), dbSNP rs777153373, ClinGen allele CA038715.
Genomic context (GRCh38, chr5:112,839,935, plus strand): 5'-TGGACAAACCATGCCACCAAGCAGAAGTAAAACACCTCCACCACCTCCTCAAACAGCTCA[A>G]ACCAAGCGAGAAGTACCTAAAAATAAAGCACCTACTGCTGAAAAGAGAGAGAGTGGACCT-3'
Protein context (NP_000029.2, residues 1437-1457): KTPPPPPQTA[Gln1447=]TKREVPKNKA